The following is an entry in ClinVar:

ClinVar aggregate classification (germline): Uncertain significance. Review status: criteria provided, multiple submitters, no conflicts (2 of 4 stars). 2 submissions from 2 submitters: Uncertain significance (2). Last evaluated 2025-04-30.

Conditions:
Cowden syndrome (CS). Also called: Cowden's disease; Cowden's syndrome; Cowden disease. Identifiers: Orphanet 201, MedGen C0018553, MONDO:0016063. Disease mechanism: gain of function.
Inborn genetic diseases. Identifiers: MedGen C0950123, MeSH D030342.

Submissions (2):

Labcorp Genetics (formerly Invitae), Labcorp
Classification: Uncertain significance for Cowden syndrome. Last evaluated: 2025-04-30. Review status: criteria provided, single submitter. Criteria: Invitae Variant Classification Sherloc (09022015). Collection method: clinical testing. Allele origin: germline.
Comment: This sequence change replaces glycine, which is neutral and non-polar, with valine, which is neutral and non-polar, at codon 613 of the PIK3CA protein (p.Gly613Val). This variant is not present in population databases (gnomAD no frequency). This variant has not been reported in the literature in individuals affected with PIK3CA-related conditions. ClinVar contains an entry for this variant (Variation ID: 3225341). Invitae Evidence Modeling of protein sequence and biophysical properties (such as structural, functional, and spatial information, amino acid conservation, physicochemical variation, residue mobility, and thermodynamic stability) has been performed for this missense variant. However, the output from this modeling did not meet the statistical confidence thresholds required to predict the impact of this variant on PIK3CA protein function. In summary, the available evidence is currently insufficient to determine the role of this variant in disease. Therefore, it has been classified as a Variant of Uncertain Significance.

Ambry Genetics
Classification: Uncertain significance for Inborn genetic diseases. Last evaluated: 2023-12-07. Review status: criteria provided, single submitter. Criteria: Ambry Variant Classification Scheme 2023. Collection method: clinical testing. Allele origin: germline.
Comment: The p.G613V variant (also known as c.1838G>T), located in coding exon 11 of the PIK3CA gene, results from a G to T substitution at nucleotide position 1838. The glycine at codon 613 is replaced by valine, an amino acid with dissimilar properties. This amino acid position is conserved. In addition, this alteration is predicted to be tolerated by in silico analysis. Since supporting evidence is limited at this time, the clinical significance of this alteration remains unclear.

NM_006218.4(PIK3CA):c.1838G>T (p.Gly613Val)

Gene: PIK3CA (phosphatidylinositol-4,5-bisphosphate 3-kinase catalytic subunit alpha; plus strand). Cytogenetic location: 3q26.32.
Variant type: single nucleotide variant.
Coding change: c.1838G>T on transcript NM_006218.4 (MANE Select); coding-DNA position 1838, G replaced by T.
Protein change: p.Gly613Val; replaces glycine 613 with valine.
Molecular consequence: missense variant.
Genome position (GRCh38, 1-based): chr3:179,219,662, G>T. VCF-style: chr3-179219662-G-T. GRCh37 (hg19) VCF-style: chr3-178937450-G-T.
Other names: short protein forms G613V.
Identifiers: ClinVar variation 3225341 (VCV003225341.2), dbSNP rs2473527556, ClinGen allele CA355266512.
Genomic context (GRCh38, chr3:179,219,662, plus strand): 5'-TCAAACCTGAACAGGCTATGGAACTTCTGGACTGTAATTACCCAGATCCTATGGTTCGAG[G>T]TTTTGCTGTTCGGTGCTTGGAAAAATATTTAACAGATGACAAACTTTCTCAGTATTTAAT-3'
Protein context (NP_006209.2, residues 603-623): DCNYPDPMVR[Gly613Val]FAVRCLEKYL